The following is an entry in ClinVar:

ClinVar aggregate classification (germline): Uncertain significance (1 of 4 stars; one submission).

gnomAD v4.1: 6 of 952,578 alleles (0.00063%); highest among the groups gnomAD compares: African/African-American, 0.0018%; no homozygotes.

Submission:

Labcorp Genetics (formerly Invitae), Labcorp
Classification: Uncertain significance. Last evaluated: 2022-03-18. Review status: criteria provided, single submitter. Criteria: Invitae Variant Classification Sherloc (09022015). Collection method: clinical testing. Allele origin: germline.
Comment: Algorithms developed to predict the effect of missense changes on protein structure and function are either unavailable or do not agree on the potential impact of this missense change (SIFT: "Tolerated"; PolyPhen-2: "Possibly Damaging"; Align-GVGD: "Class C0"). This variant has not been reported in the literature in individuals affected with AHDC1-related conditions. This variant is present in population databases (no rsID available, gnomAD 0.004%). This sequence change replaces proline, which is neutral and non-polar, with alanine, which is neutral and non-polar, at codon 32 of the AHDC1 protein (p.Pro32Ala). In summary, the available evidence is currently insufficient to determine the role of this variant in disease. Therefore, it has been classified as a Variant of Uncertain Significance.

NM_001371928.1(AHDC1):c.94C>G (p.Pro32Ala)

Gene: AHDC1 (AT-hook DNA binding motif containing 1; minus strand). Cytogenetic location: 1p36.11.
Variant type: single nucleotide variant.
Coding change: c.94C>G on transcript NM_001371928.1 (MANE Select); coding-DNA position 94, C replaced by G.
Protein change: p.Pro32Ala; replaces proline 32 with alanine.
Molecular consequence: missense variant.
Genome position (GRCh38, 1-based): chr1:27,552,022, G>C on the plus strand (C>G on the coding strand, the complement: AHDC1 is on the minus strand). VCF-style: chr1-27552022-G-C. GRCh37 (hg19) VCF-style: chr1-27878533-G-C.
Other names: c.94C>G, p.Pro32Ala (NM_001029882.3); short protein forms P32A.
Identifiers: ClinVar variation 2420183 (VCV002420183.6), dbSNP rs527817056, ClinGen allele CA339238508.